The following is an entry in ClinVar:

ClinVar aggregate classification (germline): Pathogenic/Likely pathogenic. Review status: criteria provided, multiple submitters, no conflicts (2 of 4 stars). 5 submissions from 5 submitters: Pathogenic (1); Likely pathogenic (3). 1 of the submissions does not count toward it. Last evaluated 2026-01-12.

Conditions:
Hereditary cancer-predisposing syndrome. Also called: Tumor predisposition; Neoplastic Syndromes, Hereditary; Hereditary Cancer Syndrome; Hereditary neoplastic syndrome. Identifiers: Orphanet 140162, MedGen C0027672, MeSH D009386, MONDO:0015356.
Familial cancer of breast. Also called: Hereditary breast cancer; BREAST CANCER, FAMILIAL; hereditary breast carcinoma. Identifiers: Orphanet 227535, MedGen C0346153, MONDO:0016419, OMIM 114480. Disease mechanism: loss of function.
Ataxia-telangiectasia syndrome (AT). Also called: Ataxia-telangiectasia, complementation group E; Cerebello-oculocutaneous telangiectasia; Immunodeficiency with ataxia telangiectasia; Ataxia-telangiectasia, complementation group D; AT, COMPLEMENTATION GROUP C; ATAXIA-TELANGIECTASIA, COMPLEMENTATION GROUP A. Identifiers: Orphanet 100, MedGen C0004135, MONDO:0008840, OMIM 208900.

Submissions (5):

Labcorp Genetics (formerly Invitae), Labcorp
Classification: Pathogenic for Ataxia-telangiectasia syndrome. Last evaluated: 2026-01-12. Review status: criteria provided, single submitter. Criteria: Invitae Variant Classification Sherloc (09022015). Collection method: clinical testing. Allele origin: germline.
Comment: This sequence change affects a donor splice site in intron 35 of the ATM gene. It is expected to disrupt RNA splicing. Variants that disrupt the donor or acceptor splice site typically lead to a loss of protein function (PMID: 16199547), and loss-of-function variants in ATM are known to be pathogenic (PMID: 23807571, 25614872). This variant is not present in population databases (gnomAD no frequency). Disruption of this splice site has been observed in individual(s) with ataxia-telangiectasia and/or breast and/or ovarian cancer (PMID: 17124347, 29522266, 30982232). ClinVar contains an entry for this variant (Variation ID: 370193). Studies have shown that disruption of this splice site alters ATM gene expression (PMID: 23454770). Algorithms developed to predict the effect of sequence changes on RNA splicing suggest that this variant may disrupt the consensus splice site. For these reasons, this variant has been classified as Pathogenic.

Myriad Genetics, Inc.
Classification: Likely pathogenic for Familial cancer of breast. Last evaluated: 2024-01-25. Review status: criteria provided, single submitter. Criteria: Myriad Autosomal Dominant, Autosomal Recessive and X-Linked Classification Criteria (2023). Collection method: clinical testing. Allele origin: unknown.
Comment: This variant is considered likely pathogenic. This variant occurs within a consensus splice junction and is predicted to result in abnormal mRNA splicing of either an out-of-frame exon or an in-frame exon necessary for protein stability and/or normal function.

Ambry Genetics
Classification: Likely pathogenic for Hereditary cancer-predisposing syndrome. Last evaluated: 2023-09-11. Review status: criteria provided, single submitter. Criteria: Ambry Variant Classification Scheme 2023. Collection method: clinical testing. Allele origin: germline.
Comment: The c.5319+1G>T intronic variant results from a G to T substitution one nucleotide after coding exon 34 of the ATM gene. This nucleotide position is highly conserved in available vertebrate species. In silico splice site analysis predicts that this alteration will weaken the native splice donor site. RNA studies have demonstrated that this alteration results in abnormal splicing in the set of samples tested (Ambry internal data). Alterations that disrupt the canonical splice site are expected to cause aberrant splicing, resulting in an abnormal protein or a transcript that is subject to nonsense-mediated mRNA decay. As such, this alteration is classified as likely pathogenic.

Institute for Clinical Genetics, University Hospital TU Dresden, University Hospital TU Dresden
Classification: Likely pathogenic for Familial cancer of breast. Last evaluated: 2023-08-22. Review status: criteria provided, single submitter. Criteria: ACMG Guidelines, 2015. Collection method: clinical testing. Allele origin: germline. Affected: yes.
Comment: PVS1, PM2_SUP

Counsyl
Classification: Likely pathogenic for Ataxia-telangiectasia syndrome. Last evaluated: 2015-12-11. Review status: no assertion criteria provided. Collection method: clinical testing. Allele origin: unknown. Not counted in ClinVar's aggregate classification.

Literature cited by the submitters: PubMed 16199547 (cited by Labcorp Genetics (formerly Invitae), Labcorp); PubMed 23807571 (cited by Labcorp Genetics (formerly Invitae), Labcorp); PubMed 25614872 (cited by Labcorp Genetics (formerly Invitae), Labcorp); PubMed 17124347 (cited by Labcorp Genetics (formerly Invitae), Labcorp); PubMed 29522266 (cited by Labcorp Genetics (formerly Invitae), Labcorp); PubMed 30982232 (cited by Labcorp Genetics (formerly Invitae), Labcorp); PubMed 23454770 (cited by Labcorp Genetics (formerly Invitae), Labcorp).

NM_000051.4(ATM):c.5319+1G>T

Gene: ATM (ATM serine/threonine kinase; plus strand). Cytogenetic location: 11q22.3.
Variant type: single nucleotide variant.
Coding change: c.5319+1G>T on transcript NM_000051.4 (MANE Select); the canonical splice donor site of the intron after coding-DNA position 5319, G replaced by T.
Molecular consequence: splice donor variant.
Genome position (GRCh38, 1-based): chr11:108,301,790, G>T. VCF-style: chr11-108301790-G-T. GRCh37 (hg19) VCF-style: chr11-108172517-G-T.
Other names: c.5319+1G>T (NM_001351834.2).
Identifiers: ClinVar variation 370193 (VCV000370193.12), dbSNP rs876660175, ClinGen allele CA16041415.